The following is an entry in ClinVar:

NM_000135.4(FANCA):c.946C>T (p.Leu316=)

Gene: FANCA (FA complementation group A; minus strand). Cytogenetic location: 16q24.3.
Variant type: single nucleotide variant.
Coding change: c.946C>T on transcript NM_000135.4 (MANE Select); coding-DNA position 946, C replaced by T.
Protein change: p.Leu316=; no amino-acid change (leucine 316 retained).
Molecular consequence: synonymous variant.
Genome position (GRCh38, 1-based): chr16:89,795,966, G>A on the plus strand (C>T on the coding strand, the complement: FANCA is on the minus strand). VCF-style: chr16-89795966-G-A. GRCh37 (hg19) VCF-style: chr16-89862374-G-A.
Other names: c.946C>T (NM_000135.3); c.946C>T, p.Leu316= (NM_001286167.3).
Identifiers: ClinVar variation 1143589 (VCV001143589.27), dbSNP rs775506986, ClinGen allele CA8252616.

ClinVar aggregate classification (germline): Conflicting classifications of pathogenicity. Review status: criteria provided, conflicting classifications (1 of 4 stars). 5 submissions from 5 submitters: Uncertain significance (2); Likely benign (3). Last evaluated 2025-08-29.

Conditions:
Inborn genetic diseases. Identifiers: MedGen C0950123, MeSH D030342.
Fanconi anemia (FA). Also called: Fanconi's anemia. Identifiers: Orphanet 84, MedGen C0015625, MeSH D005199, MONDO:0019391.

Allele frequency attached by ClinVar (database versions not stated): ExAC 0.00001; gnomAD exomes 0.00002.

Submissions (5):

Quest Diagnostics Nichols Institute San Juan Capistrano
Classification: Uncertain significance. Last evaluated: 2025-08-29. Review status: criteria provided, single submitter. Criteria: Quest Diagnostics criteria. Collection method: clinical testing. Allele origin: unknown.
Comment: The FANCA c.946C>T (p.Leu316=) synonymous variant has not been reported in individuals with FANCA-related conditions in the published literature. The frequency of this variant in the general population (Genome Aggregation Database) is uninformative in the assessment of its pathogenicity. Analysis of this variant using software algorithms for the prediction of the effect of nucleotide changes on splicing yielded predictions that this variant does not affect FANCA mRNA splicing. Based on the available information, we are unable to determine the clinical significance of this variant.

Labcorp Genetics (formerly Invitae), Labcorp
Classification: Likely benign for Fanconi anemia. Last evaluated: 2025-04-16. Review status: criteria provided, single submitter. Criteria: Invitae Variant Classification Sherloc (09022015). Collection method: clinical testing. Allele origin: germline.

Ambry Genetics
Classification: Likely benign for Inborn genetic diseases. Last evaluated: 2025-01-06. Review status: criteria provided, single submitter. Criteria: Ambry Variant Classification Scheme 2023. Collection method: clinical testing. Allele origin: germline.

CeGaT Center for Human Genetics Tuebingen
Classification: Uncertain significance. Last evaluated: 2024-10-01. Review status: criteria provided, single submitter. Criteria: CeGaT Center For Human Genetics Tuebingen Variant Classification Criteria Version 2. Collection method: clinical testing. Allele origin: germline. Affected: yes. Observed: 1 variant allele.
Comment: FANCA: PM2:Supporting, BP4

Sema4
Classification: Likely benign for Fanconi anemia. Last evaluated: 2021-06-20. Review status: criteria provided, single submitter. Criteria: Sema4 Curation Guidelines. Collection method: curation. Allele origin: germline.